The following is an entry in ClinVar:

ClinVar aggregate classification (germline): Uncertain significance (1 of 4 stars; one submission).

Conditions:
Spondyloepiphyseal dysplasia with congenital joint dislocations (SEDCJD). Also called: Chondrodysplasia with Congenital Joint Dislocations, CHST3-Related. Identifiers: Orphanet 263463, MedGen C1837657, MONDO:0007738, OMIM 143095.

Submission:

Labcorp Genetics (formerly Invitae), Labcorp
Classification: Uncertain significance for Spondyloepiphyseal dysplasia with congenital joint dislocations. Last evaluated: 2024-11-27. Review status: criteria provided, single submitter. Criteria: Invitae Variant Classification Sherloc (09022015). Collection method: clinical testing. Allele origin: germline.
Comment: This sequence change results in a frameshift in the CHST3 gene (p.Val440Profs*75). While this is not anticipated to result in nonsense mediated decay, it is expected to disrupt the last 40 amino acid(s) of the CHST3 protein and extend the protein by 34 additional amino acid residues. This variant is not present in population databases (gnomAD no frequency). This variant has not been reported in the literature in individuals affected with CHST3-related conditions. ClinVar contains an entry for this variant (Variation ID: 2994011). Experimental studies and prediction algorithms are not available or were not evaluated, and the functional significance of this variant is currently unknown. Algorithms developed to predict the effect of sequence changes on RNA splicing suggest that this variant may create or strengthen a splice site. This variant disrupts a region of the CHST3 protein in which other variant(s) (p.Gln441Lys) have been observed in individuals with CHST3-related conditions (PMID: 37183573). This suggests that this is a clinically significant region of the protein, and that variants that disrupt it are likely to be disease-causing. In summary, the available evidence is currently insufficient to determine the role of this variant in disease. Therefore, it has been classified as a Variant of Uncertain Significance.

Literature cited by the submitters: PubMed 37183573.

NM_004273.5(CHST3):c.1318_1327del (p.Val440fs)

Gene: CHST3 (carbohydrate sulfotransferase 3; plus strand). Cytogenetic location: 10q22.1.
Variant type: Deletion.
Coding change: c.1318_1327del on transcript NM_004273.5 (MANE Select); coding-DNA positions 1318 to 1327, 10 bases deleted (GTGCAGGCCG; older notation c.1318_1327delGTGCAGGCCG).
Protein change: p.Val440fs; shifts the reading frame from valine 440.
Molecular consequence: frameshift variant.
Genome position (GRCh38, 1-based): chr10:72,008,349-72,008,358, GTGCAGGCCG deleted; deleting any 10 consecutive bases within chr10:72,008,348-72,008,358 gives the same sequence; the c. name uses the placement nearest the transcript's 3' end. VCF-style (leftmost placement, unchanged base first): chr10-72008347-TGGTGCAGGCC-T. GRCh37 (hg19) VCF-style: chr10-73768105-TGGTGCAGGCC-T.
Other names: short protein forms V440fs.
Identifiers: ClinVar variation 2994011 (VCV002994011.3), dbSNP rs2494774502, ClinGen allele CA2609584374.